The following is an entry in ClinVar:

ClinVar aggregate classification (germline): Uncertain significance (1 of 4 stars; one submission).

Allele frequency attached by ClinVar (database versions not stated): gnomAD exomes below 0.00001; TOPMed 0.00005.
gnomAD v4.1: 1 of 1,614,074 alleles (0.000062%); highest among the groups gnomAD compares: African/African-American, 0.0013%; no homozygotes.

Submission:

Labcorp Genetics (formerly Invitae), Labcorp
Classification: Uncertain significance. Last evaluated: 2025-02-15. Review status: criteria provided, single submitter. Criteria: Invitae Variant Classification Sherloc (09022015). Collection method: clinical testing. Allele origin: germline.
Comment: This sequence change replaces alanine, which is neutral and non-polar, with valine, which is neutral and non-polar, at codon 228 of the C1S protein (p.Ala228Val). This variant is not present in population databases (gnomAD no frequency). This variant has not been reported in the literature in individuals affected with C1S-related conditions. ClinVar contains an entry for this variant (Variation ID: 3000803). Invitae Evidence Modeling of protein sequence and biophysical properties (such as structural, functional, and spatial information, amino acid conservation, physicochemical variation, residue mobility, and thermodynamic stability) indicates that this missense variant is not expected to disrupt C1S protein function with a negative predictive value of 80%. In summary, the available evidence is currently insufficient to determine the role of this variant in disease. Therefore, it has been classified as a Variant of Uncertain Significance.

NM_001734.5(C1S):c.683C>T (p.Ala228Val)

Gene: C1S (complement C1s; plus strand). Cytogenetic location: 12p13.31.
Variant type: single nucleotide variant.
Coding change: c.683C>T on transcript NM_001734.5 (MANE Select); coding-DNA position 683, C replaced by T.
Protein change: p.Ala228Val; replaces alanine 228 with valine.
Molecular consequence: missense variant.
Genome position (GRCh38, 1-based): chr12:7,065,265, C>T. VCF-style: chr12-7065265-C-T. GRCh37 (hg19) VCF-style: chr12-7172569-C-T.
Other names: c.182C>T, p.Ala61Val (NM_001346850.2); c.683C>T, p.Ala228Val (NM_201442.4); short protein forms A61V, A228V.
Identifiers: ClinVar variation 3000803 (VCV003000803.3), dbSNP rs963302690, ClinGen allele CA232452220.
Genomic context (GRCh38, chr12:7,065,265, plus strand): 5'-TGGAGAAAGGGTTCCAAGTGGTGGTGACCTTGCGGAGAGAAGATTTTGATGTGGAAGCAG[C>T]TGACTCAGCGGGAAACTGCCTTGACAGTTTAGTTGTGCGTGATGGTTGATTAATACCCCA-3'
Protein context (NP_001725.1, residues 218-238): LRREDFDVEA[Ala228Val]DSAGNCLDSL